The following is an entry in ClinVar:

ClinVar aggregate classification (germline): Uncertain significance. Review status: criteria provided, multiple submitters, no conflicts (2 of 4 stars). 2 submissions from 2 submitters: Uncertain significance (2). Last evaluated 2025-06-10.

Conditions:
Inborn genetic diseases. Identifiers: MedGen C0950123, MeSH D030342.
TNF receptor-associated periodic fever syndrome (TRAPS) (FPF). Also called: TNF Receptor-Associated Periodic Fever Syndrome; TNF receptor 1-associated periodic fever syndrome; FAMILIAL HIBERNIAN FEVER; TNF RECEPTOR-ASSOCIATED PERIODIC SYNDROME; TUMOR NECROSIS FACTOR RECEPTOR-ASSOCIATED PERIODIC SYNDROME; Autosomal Dominant Familial Periodic Fever. Identifiers: Orphanet 32960, MedGen C1275126, MONDO:0007727, OMIM 142680.

Allele frequency attached by ClinVar (database versions not stated): gnomAD 0.00001; gnomAD exomes 0.00001 and 0.00005; ExAC 0.00002; TOPMed 0.00002; 1000 Genomes Project 30x 0.00031; 1000 Genomes Project 0.00040.
gnomAD v4.1: 21 of 1,614,178 alleles (0.0013%); highest among the groups gnomAD compares: East Asian, 0.033%; no homozygotes.

Submissions (2):

Labcorp Genetics (formerly Invitae), Labcorp
Classification: Uncertain significance for TNF receptor-associated periodic fever syndrome (TRAPS). Last evaluated: 2025-06-10. Review status: criteria provided, single submitter. Criteria: Invitae Variant Classification Sherloc (09022015). Collection method: clinical testing. Allele origin: germline.
Comment: This sequence change replaces serine, which is neutral and polar, with leucine, which is neutral and non-polar, at codon 56 of the TNFRSF1A protein (p.Ser56Leu). This variant is present in population databases (rs199961053, gnomAD 0.06%). This variant has not been reported in the literature in individuals affected with TNFRSF1A-related conditions. ClinVar contains an entry for this variant (Variation ID: 1513626). Invitae Evidence Modeling of protein sequence and biophysical properties (such as structural, functional, and spatial information, amino acid conservation, physicochemical variation, residue mobility, and thermodynamic stability) indicates that this missense variant is expected to disrupt TNFRSF1A protein function with a positive predictive value of 80%. In summary, the available evidence is currently insufficient to determine the role of this variant in disease. Therefore, it has been classified as a Variant of Uncertain Significance.

Ambry Genetics
Classification: Uncertain significance for Inborn genetic diseases. Last evaluated: 2023-09-14. Review status: criteria provided, single submitter. Criteria: Ambry Variant Classification Scheme 2023. Collection method: clinical testing. Allele origin: germline.

NM_001065.4(TNFRSF1A):c.167C>T (p.Ser56Leu)

Gene: TNFRSF1A (TNF receptor superfamily member 1A; minus strand). Cytogenetic location: 12p13.31.
Variant type: single nucleotide variant.
Coding change: c.167C>T on transcript NM_001065.4 (MANE Select); coding-DNA position 167, C replaced by T.
Protein change: p.Ser56Leu; replaces serine 56 with leucine.
Molecular consequence: missense variant. On other transcripts: 5 prime UTR variant (1), non-coding transcript variant (1), intron variant (1).
Genome position (GRCh38, 1-based): chr12:6,334,117, G>A on the plus strand (C>T on the coding strand, the complement: TNFRSF1A is on the minus strand). VCF-style: chr12-6334117-G-A. GRCh37 (hg19) VCF-style: chr12-6443283-G-A.
Other names: c.-411C>T (NM_001346092.2); c.-131-252C>T (NM_001346091.2); c.167C>T (NM_001065.3); short protein forms S56L.
Identifiers: ClinVar variation 1513626 (VCV001513626.9), dbSNP rs199961053, ClinGen allele CA6405601.